The following is an entry in ClinVar:

ClinVar aggregate classification (germline): Likely benign. Review status: criteria provided, multiple submitters, no conflicts (2 of 4 stars). 3 submissions from 3 submitters: Likely benign (3). Last evaluated 2024-12-19.

Conditions:
Cardiovascular phenotype. Identifiers: MedGen CN230736.
Dilated cardiomyopathy 1G (CMD1G). Identifiers: Orphanet 154, MedGen C1858763, MONDO:0011400, OMIM 604145.
Autosomal recessive limb-girdle muscular dystrophy type 2J (LGMDR10). Also called: MUSCULAR DYSTROPHY, LIMB-GIRDLE, AUTOSOMAL RECESSIVE 10; Limb-girdle muscular dystrophy, type 2J. Identifiers: Orphanet 140922, MedGen C1837342, MONDO:0012127, OMIM 608807.

Allele frequency attached by ClinVar (database versions not stated): gnomAD exomes below 0.00001; ExAC 0.00001; gnomAD 0.00003 and 0.00004; TOPMed 0.00005; ESP Exome Variant Server 0.00008.
gnomAD v4.1: 8 of 1,612,840 alleles (0.0005%); highest among the groups gnomAD compares: African/African-American, 0.0094%; no homozygotes.

Submissions (3):

Labcorp Genetics (formerly Invitae), Labcorp
Classification: Likely benign for Dilated cardiomyopathy 1G; Autosomal recessive limb-girdle muscular dystrophy type 2J. Last evaluated: 2024-12-19. Review status: criteria provided, single submitter. Criteria: Invitae Variant Classification Sherloc (09022015). Collection method: clinical testing. Allele origin: germline.

Ambry Genetics
Classification: Likely benign for Cardiovascular phenotype. Last evaluated: 2023-03-07. Review status: criteria provided, single submitter. Criteria: Ambry Variant Classification Scheme 2023. Collection method: clinical testing. Allele origin: germline.

GeneDx
Classification: Likely benign. Last evaluated: 2016-10-20. Review status: criteria provided, single submitter. Criteria: GeneDx Variant Classification (06012015). Collection method: clinical testing. Allele origin: germline. Affected: yes.
Comment: This variant is considered likely benign or benign based on one or more of the following criteria: it is a conservative change, it occurs at a poorly conserved position in the protein, it is predicted to be benign by multiple in silico algorithms, and/or has population frequency not consistent with disease.

NM_001267550.2(TTN):c.51606A>G (p.Val17202=)

Genes: TTN (titin; minus strand), TTN-AS1 (TTN antisense RNA 1; plus strand). Cytogenetic location: 2q31.2.
Variant type: single nucleotide variant.
Coding change: c.51606A>G on transcript NM_001267550.2 (MANE Select); coding-DNA position 51606, A replaced by G.
Protein change: p.Val17202=; no amino-acid change (valine 17202 retained).
Molecular consequence: synonymous variant.
Genome position (GRCh38, 1-based): chr2:178,609,817, T>C on the plus strand (A>G on the coding strand, the complement: TTN is on the minus strand). VCF-style: chr2-178609817-T-C. GRCh37 (hg19) VCF-style: chr2-179474544-T-C.
Other names: c.24987A>G, p.Val8329= (NM_133437.4); c.24786A>G, p.Val8262= (NM_133432.3); c.46683A>G, p.Val15561= (NM_001256850.1); c.24411A>G, p.Val8137= (NM_003319.4); c.43902A>G, p.Val14634= (NM_133378.4).
Identifiers: ClinVar variation 390125 (VCV000390125.11), dbSNP rs375685343, ClinGen allele CA1994158.